The following is an entry in ClinVar:

NM_001199862.2(KCNAB2):c.105G>C (p.Gln35His)

Gene: KCNAB2 (potassium voltage-gated channel subfamily A regulatory beta subunit 2; plus strand). Cytogenetic location: 1p36.31.
Variant type: single nucleotide variant.
Coding change: c.105G>C on transcript NM_001199862.2 (MANE Select); coding-DNA position 105, G replaced by C.
Protein change: p.Gln35His; replaces glutamine 35 with histidine.
Molecular consequence: missense variant. On other transcripts: intron variant (5).
Genome position (GRCh38, 1-based): chr1:6,051,641, G>C. VCF-style: chr1-6051641-G-C. GRCh37 (hg19) VCF-style: chr1-6111701-G-C.
Other names: c.119+9769G>C (NM_001199861.2, NM_003636.4, NM_001199860.2); c.77+10996G>C (NM_172130.3); c.-83+5458G>C (NM_001199863.2); short protein forms Q35H.
Identifiers: ClinVar variation 3055395 (VCV003055395.9), dbSNP rs529702052, ClinGen allele CA17147241.

ClinVar aggregate classification (germline): Likely benign. Review status: criteria provided, single submitter (1 of 4 stars). 2 submissions from 2 submitters: Likely benign (1). 1 of the submissions does not count toward it. Last evaluated 2026-07-01.

Conditions:
KCNAB2-related disorder. Also called: KCNAB2-related condition.

Allele frequency attached by ClinVar (database versions not stated): gnomAD exomes 0.00046; 1000 Genomes Project 0.00060; 1000 Genomes Project 30x 0.00062; gnomAD 0.00077; TOPMed 0.00167.
gnomAD v4.1: 743 of 1,534,404 alleles (0.048%); highest among the groups gnomAD compares: Admixed American, 1.4%; 7 homozygotes.

Submissions (2):

CeGaT Center for Human Genetics Tuebingen
Classification: Likely benign. Last evaluated: 2026-07-01. Review status: criteria provided, single submitter. Criteria: CeGaT Center For Human Genetics Tuebingen Variant Classification Criteria Version 2. Collection method: clinical testing. Allele origin: germline. Affected: yes. Observed: 5 variant alleles.
Comment: KCNAB2: BS1

PreventionGenetics, part of Exact Sciences
Classification: Benign for KCNAB2-related condition. Last evaluated: 2019-08-28. Review status: no assertion criteria provided. Collection method: clinical testing. Allele origin: germline. Not counted in ClinVar's aggregate classification.
Comment: This variant is classified as benign based on ACMG/AMP sequence variant interpretation guidelines (Richards et al. 2015 PMID: 25741868, with internal and published modifications).